The following is an entry in ClinVar:

ClinVar aggregate classification (germline): Likely benign (1 of 4 stars; one submission).

Conditions:
Coffin-Siris syndrome 1 (CSS1). Also called: Mental retardation, autosomal dominant 12; ARID1B-Related Coffin-Siris Syndrome. Identifiers: Orphanet 1465, MedGen C3281201, MONDO:0007617, OMIM 135900. Disease mechanism: gain of function.

Allele frequency attached by ClinVar (database versions not stated): gnomAD exomes below 0.00001; gnomAD 0.00001.
gnomAD v4.1: 6 of 1,613,984 alleles (0.00037%); highest among the groups gnomAD compares: Admixed American, 0.0017%; no homozygotes.

Submission:

Dr. med. U. Finckh, Human Genetics, Eurofins MVZ
Classification: Likely benign for Coffin-Siris syndrome 1. Review status: criteria provided, single submitter. Criteria: ACMG Guidelines, 2015. Collection method: clinical testing. Allele origin: maternal. Affected: no.

NM_001374828.1(ARID1B):c.6723C>T (p.Tyr2241=)

Gene: ARID1B (AT-rich interaction domain 1B; plus strand). Cytogenetic location: 6q25.3.
Variant type: single nucleotide variant.
Coding change: c.6723C>T on transcript NM_001374828.1 (MANE Select); coding-DNA position 6723, C replaced by T.
Protein change: p.Tyr2241=; no amino-acid change (tyrosine 2241 retained).
Molecular consequence: synonymous variant.
Genome position (GRCh38, 1-based): chr6:157,207,495, C>T. VCF-style: chr6-157207495-C-T. GRCh37 (hg19) VCF-style: chr6-157528629-C-T.
Other names: c.6474C>T, p.Tyr2158= (NM_001346813.1); c.4224C>T, p.Tyr1408= (NM_001363725.2); c.6603C>T, p.Tyr2201= (NM_001371656.1, NM_001374820.1); c.6564C>T, p.Tyr2188= (NM_017519.3); c.6354C>T, p.Tyr2118= (NM_020732.3); c.6141C>T, p.Tyr2047= (NM_175863.2).
Identifiers: ClinVar variation 2505555 (VCV002505555.1), dbSNP rs1300985005, ClinGen allele CA452979154.